The following is an entry in ClinVar:

NM_001276345.2(TNNT2):c.67+5G>A

Gene: TNNT2 (troponin T2, cardiac type; minus strand). Cytogenetic location: 1q32.1.
Variant type: single nucleotide variant.
Coding change: c.67+5G>A on transcript NM_001276345.2 (MANE Select); 5 bases into the intron after coding-DNA position 67, G replaced by A.
Molecular consequence: intron variant.
Genome position (GRCh38, 1-based): chr1:201,372,022, C>T on the plus strand (G>A on the coding strand, the complement: TNNT2 is on the minus strand). VCF-style: chr1-201372022-C-T. GRCh37 (hg19) VCF-style: chr1-201341150-C-T.
Other names: c.67+5G>A (NM_001406727.1, NM_001406724.1, NM_001406725.1 and 8 more transcripts); c.52+123G>A (NM_001001432.3, NM_001406728.1).
Identifiers: ClinVar variation 2951746 (VCV002951746.5), dbSNP rs2527137032, ClinGen allele CA2573983640.

ClinVar aggregate classification (germline): Uncertain significance. Review status: criteria provided, multiple submitters, no conflicts (2 of 4 stars). 3 submissions from 3 submitters: Uncertain significance (3). Last evaluated 2026-02-04.

Conditions:
Hypertrophic cardiomyopathy 2. Also called: TNNT2-Related Familial Hypertrophic Cardiomyopathy. Identifiers: MedGen C1861864, MONDO:0007266, OMIM 115195.
Cardiomyopathy, familial restrictive, 3. Identifiers: Orphanet 75249, MedGen C2676271, MONDO:0012900, OMIM 612422.
Dilated cardiomyopathy 1D. Identifiers: Orphanet 154, Orphanet 54260, MedGen C1832243, MONDO:0011095, OMIM 601494.
Cardiovascular phenotype. Identifiers: MedGen CN230736.

Allele frequency attached by ClinVar (database versions not stated): gnomAD exomes below 0.00001.
gnomAD v4.1: 3 of 1,611,170 alleles (0.00019%); highest among the groups gnomAD compares: Non-Finnish European, 0.00025%; no homozygotes.

Submissions (3):

Labcorp Genetics (formerly Invitae), Labcorp
Classification: Uncertain significance for Cardiomyopathy, familial restrictive, 3; Hypertrophic cardiomyopathy 2; Dilated cardiomyopathy 1D. Last evaluated: 2026-02-04. Review status: criteria provided, single submitter. Criteria: Invitae Variant Classification Sherloc (09022015). Collection method: clinical testing. Allele origin: germline.
Comment: This sequence change falls in intron 4 of the TNNT2 gene. It does not directly change the encoded amino acid sequence of the TNNT2 protein. It affects a nucleotide within the consensus splice site. This variant is not present in population databases (gnomAD no frequency). This variant has not been reported in the literature in individuals affected with TNNT2-related conditions. ClinVar contains an entry for this variant (Variation ID: 2951746). Variants that disrupt the consensus splice site are a relatively common cause of aberrant splicing (PMID: 17576681, 9536098). Algorithms developed to predict the effect of sequence changes on RNA splicing suggest that this variant may disrupt the consensus splice site. In summary, the available evidence is currently insufficient to determine the role of this variant in disease. Therefore, it has been classified as a Variant of Uncertain Significance.

Blueprint Genetics
Classification: Uncertain significance. Last evaluated: 2024-10-30. Review status: criteria provided, single submitter. Criteria: ACMG Guidelines, 2015. Collection method: clinical testing. Allele origin: germline.

Ambry Genetics
Classification: Uncertain significance for Cardiovascular phenotype. Last evaluated: 2024-06-20. Review status: criteria provided, single submitter. Criteria: Ambry Variant Classification Scheme 2023. Collection method: clinical testing. Allele origin: germline.
Comment: The c.67+5G>A intronic variant results from a G to A substitution 5 nucleotides after coding exon 3 in the TNNT2 gene. This nucleotide position is highly conserved in available vertebrate species. In silico splice site analysis predicts that this alteration may weaken the native splice donor site. Based on the available evidence, the clinical significance of this variant remains unclear.

Literature cited by the submitters: PubMed 17576681 (cited by Labcorp Genetics (formerly Invitae), Labcorp); PubMed 9536098 (cited by Labcorp Genetics (formerly Invitae), Labcorp).